The following is an entry in ClinVar:

NM_002230.4(JUP):c.661G>T (p.Ala221Ser)

Gene: JUP (junction plakoglobin; minus strand). Cytogenetic location: 17q21.2.
Variant type: single nucleotide variant.
Coding change: c.661G>T on transcript NM_002230.4 (MANE Select); coding-DNA position 661, G replaced by T.
Protein change: p.Ala221Ser; replaces alanine 221 with serine.
Molecular consequence: missense variant.
Genome position (GRCh38, 1-based): chr17:41,769,015, C>A on the plus strand (G>T on the coding strand, the complement: JUP is on the minus strand). VCF-style: chr17-41769015-C-A. GRCh37 (hg19) VCF-style: chr17-39925267-C-A.
Other names: c.661G>T, p.Ala221Ser (NM_001352773.2, NM_001352774.2, NM_001352775.2 and 3 more transcripts); short protein forms A221S.
Identifiers: ClinVar variation 4089570 (VCV004089570.1).

ClinVar aggregate classification (germline): Uncertain significance (1 of 4 stars; one submission).

Conditions:
Cardiovascular phenotype. Identifiers: MedGen CN230736.

Submission:

Ambry Genetics
Classification: Uncertain significance for Cardiovascular phenotype. Last evaluated: 2025-08-28. Review status: criteria provided, single submitter. Criteria: Ambry Variant Classification Scheme 2023. Collection method: clinical testing. Allele origin: germline.
Comment: The p.A221S variant (also known as c.661G>T), located in coding exon 3 of the JUP gene, results from a G to T substitution at nucleotide position 661. The alanine at codon 221 is replaced by serine, an amino acid with similar properties. This amino acid position is conserved. In addition, this alteration is predicted to be tolerated by in silico analysis. Based on the available evidence, the clinical significance of this variant remains unclear.